The following is an entry in ClinVar:

NM_018180.3(DHX32):c.1534dup (p.Met512fs)

Genes: DHX32 (DEAH-box helicase 32 (putative); minus strand), BCCIP (BRCA2 and CDKN1A interacting protein; plus strand). Cytogenetic location: 10q26.2.
Variant type: Duplication.
Coding change: c.1534dup on transcript NM_018180.3 (MANE Select); coding-DNA position 1534, one base duplicated (A; older notation c.1534dupA).
Protein change: p.Met512fs; shifts the reading frame from methionine 512.
Molecular consequence: frameshift variant. On other transcripts: 3 prime UTR variant (1), intron variant (1).
Genome position (GRCh38, 1-based): chr10:125,841,752, T duplicated on the plus strand (A on the coding strand, the reverse complement: DHX32 is on the minus strand). VCF-style (leftmost placement, unchanged base first): chr10-125841751-A-AT. GRCh37 (hg19) VCF-style: chr10-127530320-A-AT.
Other names: c.*393dup (NM_078469.3); c.850+422dup (NM_016567.4); short protein forms M512fs.
Identifiers: ClinVar variation 2125104 (VCV002125104.4), dbSNP rs1854885314, ClinGen allele CA1943029577.

ClinVar aggregate classification (germline): Uncertain significance (1 of 4 stars; one submission).

Submission:

Labcorp Genetics (formerly Invitae), Labcorp
Classification: Uncertain significance. Last evaluated: 2022-04-12. Review status: criteria provided, single submitter. Criteria: Invitae Variant Classification Sherloc (09022015). Collection method: clinical testing. Allele origin: germline.
Comment: This variant has not been reported in the literature in individuals affected with DHX32-related conditions. In summary, the available evidence is currently insufficient to determine the role of this variant in disease. Therefore, it has been classified as a Variant of Uncertain Significance. This variant is not present in population databases (gnomAD no frequency). This sequence change creates a premature translational stop signal (p.Met512Asnfs*16) in the DHX32 gene. It is expected to result in an absent or disrupted protein product. However, the current clinical and genetic evidence is not sufficient to establish whether loss-of-function variants in DHX32 cause disease.